The following is an entry in ClinVar:

NM_000284.4(PDHA1):c.900-1_903dup

Gene: PDHA1 (pyruvate dehydrogenase E1 subunit alpha 1; plus strand). Cytogenetic location: Xp22.12.
Variant type: Duplication.
Coding change: c.900-1_903dup on transcript NM_000284.4 (MANE Select); the canonical splice acceptor site of the intron before coding-DNA position 900 through coding-DNA position 903, 5 bases duplicated (GTTAC; older notation c.900-1_903dupGTTAC).
Molecular consequence: splice acceptor variant.
Genome position (GRCh38, 1-based): chrX:19,358,915-19,358,919, GTTAC duplicated. VCF-style (leftmost placement, unchanged base first): chrX-19358914-A-AGTTAC. GRCh37 (hg19) VCF-style: chrX-19377032-A-AGTTAC.
Other names: c.1014-1_1017dup (NM_001173454.2); c.921-1_924dup (NM_001173455.2); c.807-1_810dup (NM_001173456.2).
Identifiers: ClinVar variation 4070392 (VCV004070392.1).
Genomic context (GRCh38, chrX:19,358,914, plus strand): 5'-CGCCGTCCTTGCTCTACTGGAACTGCTCTTACTGATCGATTACTACTTTTCCCTCCCCAT[A>AGTTAC]GTTACCGTACACGAGAAGAAATTCAGGAAGTAAGAAGTAAGAGTGACCCTATTATGCTTC-3'

ClinVar aggregate classification (germline): Pathogenic (0 of 4 stars; one submission).

Conditions:
Pyruvate dehydrogenase E1-alpha deficiency (PDHAD). Also called: ATAXIA, INTERMITTENT, WITH PYRUVATE DEHYDROGENASE DEFICIENCY; ATAXIA WITH LACTIC ACIDOSIS I; ATAXIA, INTERMITTENT, WITH ABNORMAL PYRUVATE METABOLISM; Ataxia, intermittent, with pyruvate dehydrogenase, or decarboxylase, deficiency. Identifiers: Orphanet 79243, MedGen C1839413, MONDO:0010717, OMIM 312170.

Submission:

PDHA1 Study Group, University Children’s Hospital, Paracelsus Medical University
Classification: Pathogenic for Pyruvate dehydrogenase E1-alpha deficiency. Last evaluated: 2024-10-15. Review status: no assertion criteria provided. Collection method: research. Allele origin: germline. Affected: yes. Observed: 1 variant allele.
Comment: The NM_000284.3:c.900-1_903dup (p.?) variant affects splicing in PDHA1 gene. The variant has been reported in 1 published case (PMIDs: 8353499). Last literature search: July 12, 2024. This variant is absent or extremely rare in population-based cohorts in the Genome Aggregation Database (gnomAD). Individuals harboring this variant presented with clinical features compatible with PDHA1-related PDHc deficiency. In summary, this variant meets criteria to be classified as pathogenic (P) for PDHA1-related PDHc deficiency based on the ACMG/AMP criteria applied: PVS1, PS3, PM2, PM7 (last assessment October 15, 2024).

Literature cited by the submitters: PubMed 8353499; DOI 10.1093/brain/awaf430.